The following is an entry in ClinVar:

ClinVar aggregate classification (germline): Uncertain significance (1 of 4 stars; one submission).

Conditions:
Cardiovascular phenotype. Identifiers: MedGen CN230736.
Hereditary cancer-predisposing syndrome. Also called: Hereditary Cancer Syndrome; Hereditary neoplastic syndrome; Neoplastic Syndromes, Hereditary; Tumor predisposition. Identifiers: Orphanet 140162, MedGen C0027672, MeSH D009386, MONDO:0015356.

Submission:

Ambry Genetics
Classification: Uncertain significance for Cardiovascular phenotype; Hereditary cancer-predisposing syndrome. Last evaluated: 2021-08-24. Review status: criteria provided, single submitter. Criteria: Ambry Variant Classification Scheme 2023. Collection method: clinical testing. Allele origin: germline.
Comment: The p.K2028T variant (also known as c.6083A>C), located in coding exon 40 of the NF1 gene, results from an A to C substitution at nucleotide position 6083. The lysine at codon 2028 is replaced by threonine, an amino acid with similar properties. This amino acid position is highly conserved in available vertebrate species. In addition, this alteration is predicted to be deleterious by in silico analysis. Since supporting evidence is limited at this time, the clinical significance of this alteration remains unclear.

NM_001042492.3(NF1):c.6146A>C (p.Lys2049Thr)

Gene: NF1 (neurofibromin 1; plus strand). Cytogenetic location: 17q11.2.
Variant type: single nucleotide variant.
Coding change: c.6146A>C on transcript NM_001042492.3 (MANE Select); coding-DNA position 6146, A replaced by C.
Protein change: p.Lys2049Thr; replaces lysine 2049 with threonine.
Molecular consequence: missense variant.
Genome position (GRCh38, 1-based): chr17:31,336,472, A>C. VCF-style: chr17-31336472-A-C. GRCh37 (hg19) VCF-style: chr17-29663490-A-C.
Other names: c.6083A>C, p.Lys2028Thr (NM_000267.4); short protein forms K2049T, K2028T.
Identifiers: ClinVar variation 1751459 (VCV001751459.2), dbSNP rs2151553618, ClinGen allele CA399011580.
Genomic context (GRCh38, chr17:31,336,472, plus strand): 5'-AGGTGATGGCAGATACTGCTGTAGCTTTGGCTTCTGGAAATGTGAAATTGGTTTCAAGCA[A>C]GGTAATCACTTTTCTTTTGCCTTCTGTACTATAGCATATCTGTTTTATCATCAGGAGGTT-3'
Protein context (NP_001035957.1, residues 2039-2059): ASGNVKLVSS[Lys2049Thr]VIGRMCKIID